The following is an entry in ClinVar:

NM_001267550.2(TTN):c.55893G>A (p.Trp18631Ter)

Genes: TTN (titin; minus strand), TTN-AS1 (TTN antisense RNA 1; plus strand). Cytogenetic location: 2q31.2.
Variant type: single nucleotide variant.
Coding change: c.55893G>A on transcript NM_001267550.2 (MANE Select); coding-DNA position 55893, G replaced by A.
Protein change: p.Trp18631Ter; replaces tryptophan 18631 with a stop codon.
Molecular consequence: nonsense.
Genome position (GRCh38, 1-based): chr2:178,601,011, C>T on the plus strand (G>A on the coding strand, the complement: TTN is on the minus strand). VCF-style: chr2-178601011-C-T. GRCh37 (hg19) VCF-style: chr2-179465738-C-T.
Other names: c.48189G>A, p.Trp16063Ter (NM_133378.4); c.50970G>A, p.Trp16990Ter (NM_001256850.1); c.28698G>A, p.Trp9566Ter (NM_003319.4); c.29073G>A, p.Trp9691Ter (NM_133432.3); c.29274G>A, p.Trp9758Ter (NM_133437.4); short protein forms W16063*, W16990*, W18631*, W9566*, W9691*, W9758*.
Identifiers: ClinVar variation 1325301 (VCV001325301.8), dbSNP rs2154192598, ClinGen allele CA349536839.

ClinVar aggregate classification (germline): Likely pathogenic. Review status: criteria provided, multiple submitters, no conflicts (2 of 4 stars). 3 submissions from 3 submitters: Likely pathogenic (3). Last evaluated 2025-06-24.

Conditions:
Dilated cardiomyopathy 1G (CMD1G). Identifiers: Orphanet 154, MedGen C1858763, MONDO:0011400, OMIM 604145.
Autosomal recessive limb-girdle muscular dystrophy type 2J (LGMDR10). Also called: Limb-girdle muscular dystrophy, type 2J; MUSCULAR DYSTROPHY, LIMB-GIRDLE, AUTOSOMAL RECESSIVE 10. Identifiers: Orphanet 140922, MedGen C1837342, MONDO:0012127, OMIM 608807.
Cardiovascular phenotype. Identifiers: MedGen CN230736.

Submissions (3):

Ambry Genetics
Classification: Likely pathogenic for Cardiovascular phenotype. Last evaluated: 2025-06-24. Review status: criteria provided, single submitter. Criteria: Ambry Variant Classification Scheme 2023. Collection method: clinical testing. Allele origin: germline.
Comment: The p.W9566* variant (also known as c.28698G>A), located in coding exon 115 of the TTN gene, results from a G to A substitution at nucleotide position 28698. This changes the amino acid from a tryptophan to a stop codon within coding exon 115. This exon is located in the A-band region of the N2-B isoform of the titin protein and is constitutively expressed in TTN transcripts (percent spliced in or PSI 100%). This variant is considered to be rare based on population cohorts in the Genome Aggregation Database (gnomAD). This alteration is expected to result in loss of function by premature protein truncation or nonsense-mediated mRNA decay. While truncating variants in TTN are present in 1-3% of the general population, truncating variants in the A-band are the most common cause of dilated cardiomyopathy (DCM) (Herman DS et al. N. Engl. J. Med., 2012 Feb;366:619-28; Roberts AM et al. Sci Transl Med, 2015 Jan;7:270ra6). TTN truncating variants encoded in constitutive exons (PSI >90%) have been found to be significantly associated with DCM regardless of their position in titin (Schafer S et al. Nat. Genet., 2017 01;49:46-53). As such, this alteration is classified as likely pathogenic.

Labcorp Genetics (formerly Invitae), Labcorp
Classification: Likely pathogenic for Dilated cardiomyopathy 1G; Autosomal recessive limb-girdle muscular dystrophy type 2J. Last evaluated: 2025-06-22. Review status: criteria provided, single submitter. Criteria: Invitae Variant Classification Sherloc (09022015). Collection method: clinical testing. Allele origin: germline.
Comment: This sequence change creates a premature translational stop signal (p.Trp18631*) in the TTN gene. While this is not anticipated to result in nonsense mediated decay, it is expected to create a truncated TTN protein. This variant is not present in population databases (gnomAD no frequency). This variant has not been reported in the literature in individuals affected with TTN-related conditions. ClinVar contains an entry for this variant (Variation ID: 1325301). This variant is located in the A band of TTN (PMID: 25589632). Truncating variants in this region are significantly overrepresented in patients affected with dilated cardiomyopathy (PMID: 25589632). Truncating variants in this region have also been reported in individuals affected with autosomal recessive centronuclear myopathy (PMID: 23975875). In summary, the currently available evidence indicates that the variant is pathogenic, but additional data are needed to prove that conclusively. Therefore, this variant has been classified as Likely Pathogenic.

Revvity Omics, Revvity
Classification: Likely pathogenic. Last evaluated: 2020-08-17. Review status: criteria provided, single submitter. Criteria: ACMG Guidelines, 2015. Collection method: clinical testing. Allele origin: germline.

Literature cited by the submitters: PubMed 25589632 (cited by Labcorp Genetics (formerly Invitae), Labcorp); PubMed 23975875 (cited by Labcorp Genetics (formerly Invitae), Labcorp).